The following is an entry in ClinVar:

ClinVar aggregate classification (germline): Uncertain significance. Review status: criteria provided, multiple submitters, no conflicts (2 of 4 stars). 2 submissions from 2 submitters: Uncertain significance (2). Last evaluated 2022-05-17.

Allele frequency attached by ClinVar (database versions not stated): gnomAD exomes below 0.00001; ESP Exome Variant Server 0.00008.
gnomAD v4.1: 2 of 1,612,376 alleles (0.00012%); highest among the groups gnomAD compares: Non-Finnish European, 0.000085%; no homozygotes.

Submissions (2):

Labcorp Genetics (formerly Invitae), Labcorp
Classification: Uncertain significance. Last evaluated: 2022-05-17. Review status: criteria provided, single submitter. Criteria: Invitae Variant Classification Sherloc (09022015). Collection method: clinical testing. Allele origin: germline.
Comment: In summary, the available evidence is currently insufficient to determine the role of this variant in disease. Therefore, it has been classified as a Variant of Uncertain Significance. Algorithms developed to predict the effect of missense changes on protein structure and function are either unavailable or do not agree on the potential impact of this missense change (SIFT: "Tolerated"; PolyPhen-2: "Probably Damaging"; Align-GVGD: "Class C0"). This variant has not been reported in the literature in individuals affected with ABHD12-related conditions. This variant is present in population databases (rs373748366, gnomAD 0.007%). This sequence change replaces glycine, which is neutral and non-polar, with serine, which is neutral and polar, at codon 183 of the ABHD12 protein (p.Gly183Ser).

Blueprint Genetics
Classification: Uncertain significance. Last evaluated: 2021-11-03. Review status: criteria provided, single submitter. Criteria: ACMG Guidelines, 2015. Collection method: clinical testing. Allele origin: germline.

NM_001042472.3(ABHD12):c.547G>A (p.Gly183Ser)

Gene: ABHD12 (abhydrolase domain containing 12, lysophospholipase; minus strand). Cytogenetic location: 20p11.21.
Variant type: single nucleotide variant.
Coding change: c.547G>A on transcript NM_001042472.3 (MANE Select); coding-DNA position 547, G replaced by A.
Protein change: p.Gly183Ser; replaces glycine 183 with serine.
Molecular consequence: missense variant.
Genome position (GRCh38, 1-based): chr20:25,317,074, C>T on the plus strand (G>A on the coding strand, the complement: ABHD12 is on the minus strand). VCF-style: chr20-25317074-C-T. GRCh37 (hg19) VCF-style: chr20-25297710-C-T.
Other names: c.547G>A, p.Gly183Ser (NM_015600.5); short protein forms G183S.
Identifiers: ClinVar variation 2093635 (VCV002093635.5), dbSNP rs373748366, ClinGen allele CA313726535.
Genomic context (GRCh38, chr20:25,317,074, plus strand): 5'-CCAGGGAACAGGTGTGGGTGCTGCCTGCACTCACCTTGTAAAGCTCCACGCGGTGGTCGC[C>T]TCCTCTGGAGAAGAAAACAGGACATGGTGTGAGCACATCTTCTCAGAGTTGGGCCCCAGG-3'
Protein context (NP_001035937.1, residues 173-193): YLHGNAGTRG[Gly183Ser]DHRVELYKVL